The following is an entry in ClinVar:

NM_013275.6(ANKRD11):c.3085A>T (p.Lys1029Ter)

Gene: ANKRD11 (ankyrin repeat domain containing 11; minus strand). Cytogenetic location: 16q24.3.
Variant type: single nucleotide variant.
Coding change: c.3085A>T on transcript NM_013275.6 (MANE Select); coding-DNA position 3085, A replaced by T.
Protein change: p.Lys1029Ter; replaces lysine 1029 with a stop codon.
Molecular consequence: nonsense.
Genome position (GRCh38, 1-based): chr16:89,283,457, T>A on the plus strand (A>T on the coding strand, the complement: ANKRD11 is on the minus strand). VCF-style: chr16-89283457-T-A. GRCh37 (hg19) VCF-style: chr16-89349865-T-A.
Other names: c.3085A>T, p.Lys1029Ter (NM_001256182.2, NM_001256183.2); short protein forms K1029*.
Identifiers: ClinVar variation 3122246 (VCV003122246.1), dbSNP rs2544238786, ClinGen allele CA397160633.

ClinVar aggregate classification (germline): Pathogenic (1 of 4 stars; one submission).

Conditions:
Inborn genetic diseases. Identifiers: MedGen C0950123, MeSH D030342.

Submission:

Ambry Genetics
Classification: Pathogenic for Inborn genetic diseases. Last evaluated: 2023-11-13. Review status: criteria provided, single submitter. Criteria: Ambry Variant Classification Scheme 2023. Collection method: clinical testing. Allele origin: germline.
Comment: The c.3085A>T (p.K1029*) alteration, located in exon 9 (coding exon 7) of the ANKRD11 gene, consists of a A to T substitution at nucleotide position 3085. This changes the amino acid from a lysine (K) to a stop codon at amino acid position 1029. This alteration is expected to result in loss of function by premature protein truncation or nonsense-mediated mRNA decay. This variant was not reported in population-based cohorts in the Genome Aggregation Database (gnomAD). Based on the available evidence, this alteration is classified as pathogenic.